The following is an entry in ClinVar:

NM_006311.4(NCOR1):c.5970G>A (p.Gln1990=)

Gene: NCOR1 (nuclear receptor corepressor 1; minus strand). Cytogenetic location: 17p12.
Variant type: single nucleotide variant.
Coding change: c.5970G>A on transcript NM_006311.4 (MANE Select); coding-DNA position 5970, G replaced by A.
Protein change: p.Gln1990=; no amino-acid change (glutamine 1990 retained).
Molecular consequence: synonymous variant.
Genome position (GRCh38, 1-based): chr17:16,058,511, C>T on the plus strand (G>A on the coding strand, the complement: NCOR1 is on the minus strand). VCF-style: chr17-16058511-C-T. GRCh37 (hg19) VCF-style: chr17-15961825-C-T.
Other names: c.5661G>A, p.Gln1887= (NM_001190440.2).
Identifiers: ClinVar variation 712852 (VCV000712852.6), dbSNP rs76555909, ClinGen allele CA8408163.

ClinVar aggregate classification (germline): Benign. Review status: criteria provided, single submitter (1 of 4 stars). 2 submissions from 2 submitters: Benign (1). 1 of the submissions does not count toward it. Last evaluated 2019-12-31.

Conditions:
NCOR1-related disorder. Also called: NCOR1-related condition.

Allele frequency attached by ClinVar (database versions not stated): gnomAD exomes 0.00049 and 0.00119; ExAC 0.00148; gnomAD 0.00501 and 0.00536; TOPMed 0.00538; 1000 Genomes Project 0.00619; ESP Exome Variant Server 0.00630; 1000 Genomes Project 30x 0.00703.
gnomAD v4.1: 1,510 of 1,614,128 alleles (0.094%); highest among the groups gnomAD compares: African/African-American, 1.8%; 16 homozygotes.

Submissions (2):

Labcorp Genetics (formerly Invitae), Labcorp
Classification: Benign. Last evaluated: 2019-12-31. Review status: criteria provided, single submitter. Criteria: Invitae Variant Classification Sherloc (09022015). Collection method: clinical testing. Allele origin: germline.

PreventionGenetics, part of Exact Sciences
Classification: Benign for NCOR1-related condition. Last evaluated: 2019-03-05. Review status: no assertion criteria provided. Collection method: clinical testing. Allele origin: germline. Not counted in ClinVar's aggregate classification.
Comment: This variant is classified as benign based on ACMG/AMP sequence variant interpretation guidelines (Richards et al. 2015 PMID: 25741868, with internal and published modifications).